The following is an entry in ClinVar:

NM_003000.3(SDHB):c.824A>T (p.Glu275Val)

Gene: SDHB (succinate dehydrogenase complex iron sulfur subunit B; minus strand). Cytogenetic location: 1p36.13.
Variant type: single nucleotide variant.
Coding change: c.824A>T on transcript NM_003000.3 (MANE Select); coding-DNA position 824, A replaced by T.
Protein change: p.Glu275Val; replaces glutamic acid 275 with valine.
Molecular consequence: missense variant.
Genome position (GRCh38, 1-based): chr1:17,018,900, T>A on the plus strand (A>T on the coding strand, the complement: SDHB is on the minus strand). VCF-style: chr1-17018900-T-A. GRCh37 (hg19) VCF-style: chr1-17345395-T-A.
Other names: c.770A>T, p.Glu257Val (NM_001407361.1); short protein forms E257V, E275V.
Identifiers: ClinVar variation 2943611 (VCV002943611.3), dbSNP rs2524994829, ClinGen allele CA338268763.

ClinVar aggregate classification (germline): Uncertain significance (1 of 4 stars; one submission).

Conditions:
Pheochromocytoma. Also called: MAX-Related Hereditary Paraganglioma-Pheochromocytoma Syndrome. Identifiers: Orphanet 29072, MedGen C0031511, MONDO:0008233, OMIM 171300, HP:0002666.
Gastrointestinal stromal tumor. Also called: Gastrointestinal stromal tumor, somatic; Gastrointestinal stroma tumor. Identifiers: Orphanet 44890, MedGen C0238198, MeSH D046152, MONDO:0011719, OMIM 606764, HP:0100723.
Pheochromocytoma/paraganglioma syndrome 4. Also called: CAROTID BODY TUMORS AND MULTIPLE EXTRAADRENAL PHEOCHROMOCYTOMAS; PARAGANGLIOMA, FAMILIAL MALIGNANT; PARAGANGLIOMAS, HEREDITARY EXTRAADRENAL; PHEOCHROMOCYTOMA, FAMILIAL EXTRAADRENAL; Paragangliomas 4; SDHB-Related Hereditary Paraganglioma-Pheochromocytoma Syndrome (Paragangliomas 4). Identifiers: Orphanet 29072, MedGen C1861848, MONDO:0007273, OMIM 115310.

Submission:

Labcorp Genetics (formerly Invitae), Labcorp
Classification: Uncertain significance for Gastrointestinal stromal tumor; Pheochromocytoma/paraganglioma syndrome 4; Pheochromocytoma. Last evaluated: 2023-01-25. Review status: criteria provided, single submitter. Criteria: Invitae Variant Classification Sherloc (09022015). Collection method: clinical testing. Allele origin: germline.
Comment: In summary, the available evidence is currently insufficient to determine the role of this variant in disease. Therefore, it has been classified as a Variant of Uncertain Significance. Advanced modeling of protein sequence and biophysical properties (such as structural, functional, and spatial information, amino acid conservation, physicochemical variation, residue mobility, and thermodynamic stability) performed at Invitae indicates that this missense variant is not expected to disrupt SDHB protein function. This variant has not been reported in the literature in individuals affected with SDHB-related conditions. This variant is not present in population databases (gnomAD no frequency). This sequence change replaces glutamic acid, which is acidic and polar, with valine, which is neutral and non-polar, at codon 275 of the SDHB protein (p.Glu275Val).